The following is an entry in ClinVar:

NM_006939.4(SOS2):c.2611G>C (p.Glu871Gln)

Gene: SOS2 (SOS Ras/Rho guanine nucleotide exchange factor 2; minus strand). Cytogenetic location: 14q21.3.
Variant type: single nucleotide variant.
Coding change: c.2611G>C on transcript NM_006939.4 (MANE Select); coding-DNA position 2611, G replaced by C.
Protein change: p.Glu871Gln; replaces glutamic acid 871 with glutamine.
Molecular consequence: missense variant.
Genome position (GRCh38, 1-based): chr14:50,145,226, C>G on the plus strand (G>C on the coding strand, the complement: SOS2 is on the minus strand). VCF-style: chr14-50145226-C-G. GRCh37 (hg19) VCF-style: chr14-50611944-C-G.
Other names: c.2512G>C, p.Glu838Gln (NM_001411020.1); short protein forms E871Q, E838Q.
Identifiers: ClinVar variation 4172005 (VCV004172005.1).

ClinVar aggregate classification (germline): Uncertain significance (1 of 4 stars; one submission).

Conditions:
Cardiovascular phenotype. Identifiers: MedGen CN230736.

Submission:

Ambry Genetics
Classification: Uncertain significance for Cardiovascular phenotype. Last evaluated: 2025-06-23. Review status: criteria provided, single submitter. Criteria: Ambry Variant Classification Scheme 2023. Collection method: clinical testing. Allele origin: germline.
Comment: The p.E871Q variant (also known as c.2611G>C), located in coding exon 16 of the SOS2 gene, results from a G to C substitution at nucleotide position 2611. The glutamic acid at codon 871 is replaced by glutamine, an amino acid with highly similar properties. This amino acid position is conserved. In addition, the in silico prediction for this alteration is inconclusive. Based on the available evidence, the clinical significance of this variant remains unclear.